The following is an entry in ClinVar:

ClinVar aggregate classification (germline): Likely pathogenic. Review status: criteria provided, multiple submitters, no conflicts (2 of 4 stars). 5 submissions from 5 submitters: Likely pathogenic (5). Last evaluated 2025-04-08.

Conditions:
ALG3-congenital disorder of glycosylation. Also called: CARBOHYDRATE-DEFICIENT GLYCOPROTEIN SYNDROME, TYPE IV; CDGS, TYPE IV; CDG Id; ALG3-CDG; CONGENITAL DISORDER OF GLYCOSYLATION, TYPE Id. Identifiers: Orphanet 79321, MedGen C1832736, MONDO:0010998, OMIM 601110.

Allele frequency attached by ClinVar (database versions not stated): gnomAD exomes 0.00001 and 0.00003; ExAC 0.00003.
gnomAD v4.1: 21 of 1,613,916 alleles (0.0013%); highest among the groups gnomAD compares: Middle Eastern, 0.049%; 1 homozygote.

Submissions (5):

First Genomix Gene Laboratory, Genetic Diagnostics Department
Classification: Likely pathogenic for ALG3-congenital disorder of glycosylation. Last evaluated: 2025-04-08. Review status: criteria provided, single submitter. Criteria: ACMG Guidelines, 2015. Collection method: clinical testing. Allele origin: germline. Inheritance: Autosomal recessive inheritance. Affected: no. Observed: 1 variant allele.

Women's Health and Genetics/Laboratory Corporation of America, LabCorp
Classification: Likely pathogenic for ALG3-congenital disorder of glycosylation. Last evaluated: 2025-03-06. Review status: criteria provided, single submitter. Criteria: LabCorp Variant Classification Summary - May 2015. Collection method: clinical testing. Allele origin: germline.
Comment: Variant summary: ALG3 c.444+1G>T is located in a canonical splice-site and is predicted to affect mRNA splicing resulting in a significantly altered protein due to either exon skipping, shortening, or inclusion of intronic material. Variants that disrupt the consensus splice site are a relatively common cause of aberrant splicing and loss of ALG3 function. Several computational tools predict a significant impact on normal splicing: Four predict the variant abolishes the canonical 5' splicing donor site. However, these predictions have yet to be confirmed by functional studies. The variant allele was found at a frequency of 3.2e-05 in 248950 control chromosomes. c.444+1G>T has been reported in the literature in two individuals without apparent diseases during a carrier testing (Capalbo_2019). These report(s) do not provide unequivocal conclusions about association of the variant with ALG3-congenital disorder of glycosylation. To our knowledge, no experimental evidence demonstrating an impact on protein function has been reported. ClinVar contains an entry for this variant (Variation ID: 502711). Based on the evidence outlined above, the variant was classified as likely pathogenic.

Fulgent Genetics
Classification: Likely pathogenic for ALG3-congenital disorder of glycosylation. Last evaluated: 2024-01-25. Review status: criteria provided, single submitter. Criteria: ACMG Guidelines, 2015. Collection method: clinical testing. Allele origin: germline.

Labcorp Genetics (formerly Invitae), Labcorp
Classification: Likely pathogenic for ALG3-congenital disorder of glycosylation. Last evaluated: 2023-10-24. Review status: criteria provided, single submitter. Criteria: Invitae Variant Classification Sherloc (09022015). Collection method: clinical testing. Allele origin: germline.
Comment: This sequence change affects a donor splice site in intron 3 of the ALG3 gene. It is expected to disrupt RNA splicing. Variants that disrupt the donor or acceptor splice site typically lead to a loss of protein function (PMID: 16199547), and loss-of-function variants in ALG3 are known to be pathogenic (PMID: 33583022, 34090370). This variant is present in population databases (rs748878963, gnomAD 0.01%). This variant has not been reported in the literature in individuals affected with ALG3-related conditions. ClinVar contains an entry for this variant (Variation ID: 502711). Algorithms developed to predict the effect of sequence changes on RNA splicing suggest that this variant may disrupt the consensus splice site. In summary, the currently available evidence indicates that the variant is pathogenic, but additional data are needed to prove that conclusively. Therefore, this variant has been classified as Likely Pathogenic.

Eurofins Ntd Llc (ga)
Classification: Likely pathogenic. Last evaluated: 2017-07-19. Review status: criteria provided, single submitter. Criteria: EGL Classification Definitions 2015. Collection method: clinical testing. Allele origin: germline. Observed: 1 variant allele, 1 heterozygote.

Literature cited by the submitters: PubMed 31589614 (cited by Women's Health and Genetics/Laboratory Corporation of America, LabCorp); PubMed 16199547 (cited by Labcorp Genetics (formerly Invitae), Labcorp); PubMed 33583022 (cited by Labcorp Genetics (formerly Invitae), Labcorp); PubMed 34090370 (cited by Labcorp Genetics (formerly Invitae), Labcorp).

NM_005787.6(ALG3):c.444+1G>T

Gene: ALG3 (ALG3 alpha-1,3- mannosyltransferase; minus strand). Cytogenetic location: 3q27.1.
Variant type: single nucleotide variant.
Coding change: c.444+1G>T on transcript NM_005787.6 (MANE Select); the canonical splice donor site of the intron after coding-DNA position 444, G replaced by T.
Molecular consequence: splice donor variant.
Genome position (GRCh38, 1-based): chr3:184,245,467, C>A on the plus strand (G>T on the coding strand, the complement: ALG3 is on the minus strand). VCF-style: chr3-184245467-C-A. GRCh37 (hg19) VCF-style: chr3-183963255-C-A.
Other names: c.300+1G>T (NM_001006941.2).
Identifiers: ClinVar variation 502711 (VCV000502711.11), dbSNP rs748878963, ClinGen allele CA2729545.